The following is an entry in ClinVar:

ClinVar aggregate classification (germline): Likely benign. Review status: criteria provided, multiple submitters, no conflicts (2 of 4 stars). 2 submissions from 2 submitters: Likely benign (2). Last evaluated 2026-03-17.

Conditions:
FSCN2-related disorder. Also called: FSCN2-related condition.

Allele frequency attached by ClinVar (database versions not stated): TOPMed 0.00003; 1000 Genomes Project 0.00040; 1000 Genomes Project 30x 0.00047; ExAC 0.00075.

Submissions (2):

PreventionGenetics, part of Exact Sciences
Classification: Likely benign for FSCN2-related condition. Last evaluated: 2026-03-17. Review status: criteria provided, single submitter. Criteria: ACMG Guidelines, 2015. Collection method: clinical testing. Allele origin: germline.
Comment: This variant is classified as likely benign based on ACMG/AMP sequence variant interpretation guidelines (Richards et al. 2015 PMID: 25741868, with internal and published modifications).

Labcorp Genetics (formerly Invitae), Labcorp
Classification: Likely benign. Last evaluated: 2025-12-17. Review status: criteria provided, single submitter. Criteria: Invitae Variant Classification Sherloc (09022015). Collection method: clinical testing. Allele origin: germline.

NM_012418.4(FSCN2):c.511G>A (p.Val171Met)

Gene: FSCN2 (fascin actin-bundling protein 2, retinal; plus strand). Cytogenetic location: 17q25.3.
Variant type: single nucleotide variant.
Coding change: c.511G>A on transcript NM_012418.4 (MANE Select); coding-DNA position 511, G replaced by A.
Protein change: p.Val171Met; replaces valine 171 with methionine.
Molecular consequence: missense variant.
Genome position (GRCh38, 1-based): chr17:81,529,042, G>A. VCF-style: chr17-81529042-G-A. GRCh37 (hg19) VCF-style: chr17-79496068-G-A.
Other names: c.511G>A, p.Val171Met (NM_001077182.3); c.511G>A (NM_001077182.2); short protein forms V171M.
Identifiers: ClinVar variation 1131129 (VCV001131129.10), dbSNP rs576252520, ClinGen allele CA8836703.